The following is an entry in ClinVar:

NM_020738.4(KIDINS220):c.2856A>C (p.Leu952Phe)

Gene: KIDINS220 (kinase D interacting substrate 220; minus strand). Cytogenetic location: 2p25.1.
Variant type: single nucleotide variant.
Coding change: c.2856A>C on transcript NM_020738.4 (MANE Select); coding-DNA position 2856, A replaced by C.
Protein change: p.Leu952Phe; replaces leucine 952 with phenylalanine.
Molecular consequence: missense variant. On other transcripts: non-coding transcript variant (2).
Genome position (GRCh38, 1-based): chr2:8,770,825, T>G on the plus strand (A>C on the coding strand, the complement: KIDINS220 is on the minus strand). VCF-style: chr2-8770825-T-G. GRCh37 (hg19) VCF-style: chr2-8910955-T-G.
Other names: c.2859A>C, p.Leu953Phe (NM_001348729.2, NM_001348731.2, NM_001348734.2 and 3 more transcripts); c.2856A>C, p.Leu952Phe (NM_001348732.2, NM_001348735.2, NM_001348738.2 and 3 more transcripts); c.2730A>C, p.Leu910Phe (NM_001348736.2); c.2856A>C (NM_020738.2); short protein forms L910F, L953F, L952F.
Identifiers: ClinVar variation 2166518 (VCV002166518.6), dbSNP rs771295723, ClinGen allele CA1519857.

ClinVar aggregate classification (germline): Uncertain significance. Review status: criteria provided, single submitter (1 of 4 stars). 2 submissions from 2 submitters: Uncertain significance (1). 1 of the submissions does not count toward it. Last evaluated 2024-12-03.

Conditions:
KIDINS220-related disorder. Also called: KIDINS220-related condition.

Allele frequency attached by ClinVar (database versions not stated): gnomAD 0.00001; gnomAD exomes 0.00001; ExAC 0.00002; TOPMed 0.00003.
gnomAD v4.1: 8 of 1,584,268 alleles (0.0005%); highest among the groups gnomAD compares: Admixed American, 0.015%; no homozygotes.

Submissions (2):

Labcorp Genetics (formerly Invitae), Labcorp
Classification: Uncertain significance. Last evaluated: 2024-12-03. Review status: criteria provided, single submitter. Criteria: Invitae Variant Classification Sherloc (09022015). Collection method: clinical testing. Allele origin: germline.
Comment: This sequence change replaces leucine, which is neutral and non-polar, with phenylalanine, which is neutral and non-polar, at codon 952 of the KIDINS220 protein (p.Leu952Phe). This variant is present in population databases (rs771295723, gnomAD 0.02%). This variant has not been reported in the literature in individuals affected with KIDINS220-related conditions. ClinVar contains an entry for this variant (Variation ID: 2166518). An algorithm developed to predict the effect of missense changes on protein structure and function (PolyPhen-2) suggests that this variant is likely to be disruptive. In summary, the available evidence is currently insufficient to determine the role of this variant in disease. Therefore, it has been classified as a Variant of Uncertain Significance.

PreventionGenetics, part of Exact Sciences
Classification: Uncertain significance for KIDINS220-related condition. Last evaluated: 2024-02-29. Review status: no assertion criteria provided. Collection method: clinical testing. Allele origin: germline. Not counted in ClinVar's aggregate classification.
Comment: The KIDINS220 c.2856A>C variant is predicted to result in the amino acid substitution p.Leu952Phe. To our knowledge, this variant has not been reported in the literature. This variant is reported in 0.021% of alleles in individuals of Latino descent in gnomAD. At this time, the clinical significance of this variant is uncertain due to the absence of conclusive functional and genetic evidence.